The following is an entry in ClinVar:

ClinVar aggregate classification (germline): Uncertain significance. Review status: criteria provided, multiple submitters, no conflicts (2 of 4 stars). 2 submissions from 2 submitters: Uncertain significance (2). Last evaluated 2026-08-26.

Conditions:
Early-infantile DEE. Also called: Ohtahara syndrome; Early infantile epileptic encephalopathy with suppression bursts; Early infantile epileptic encephalopathy. Identifiers: Orphanet 1934, MedGen C0393706, MONDO:0800491.
Inborn genetic diseases. Identifiers: MedGen C0950123, MeSH D030342.

Allele frequency attached by ClinVar (database versions not stated): ExAC 0.00001; gnomAD exomes below 0.00001.
gnomAD v4.1: 2 of 1,605,502 alleles (0.00012%); highest among the groups gnomAD compares: Admixed American, 0.0034%; no homozygotes.

Submissions (2):

Ambry Genetics
Classification: Uncertain significance for Inborn genetic diseases. Last evaluated: 2026-08-26. Review status: criteria provided, single submitter. Criteria: Ambry Variant Classification Scheme 2023. Collection method: clinical testing. Allele origin: germline.
Comment: The c.3712G>C (p.E1238Q) alteration is located in exon 19 (coding exon 19) of the SCN1A gene. This alteration results from a G to C substitution at nucleotide position 3712, causing the glutamic acid (E) at amino acid position 1238 to be replaced by a glutamine (Q). Based on data from gnomAD, the C allele has an overall frequency of <0.001% (1/246472) total alleles studied. The highest observed frequency was 0.003% (1/34030) of Latino alleles. Based on insufficient or conflicting evidence, the clinical significance of this alteration remains unclear.

Labcorp Genetics (formerly Invitae), Labcorp
Classification: Uncertain significance for Early-infantile DEE. Last evaluated: 2020-02-07. Review status: criteria provided, single submitter. Criteria: Invitae Variant Classification Sherloc (09022015). Collection method: clinical testing. Allele origin: germline.
Comment: This sequence change replaces glutamic acid with glutamine at codon 1238 of the SCN1A protein (p.Glu1238Gln). The glutamic acid residue is highly conserved and there is a small physicochemical difference between glutamic acid and glutamine. This variant is present in population databases (rs750364705, ExAC 0.01%) but has not been reported in the literature in individuals with a SCN1A-related disease. A different variant at this codon, c.3714A>C (p.Glu1238Asp), and two variants at the adjacent codon, c.3715G>T (p.D1239Y) and c.3716A>G (p.D1239G), have all been seen in individuals affected with epilepsy (PMID: 16713920, 17347258, 18930999), however the clinical significance of these variants is unknown. This variant is in the extracellular loop between segments 1 & 2 of the D3 domain in SCN1A, at a glutamic acid residue that is highly conserved across ion channel genes (PMID: 18804930, 22581653). Algorithms developed to predict the effect of missense changes on protein structure and function (SIFT, PolyPhen-2, Align-GVGD) all suggest that this variant is likely to be disruptive, but these predictions have not been confirmed by published functional studies. In summary, this is a rare missense change with uncertain impact on protein function. There is no indication that this variant causes disease, but the evidence is insufficient at this time to prove that conclusively. Therefore, it has been classified as a Variant of Uncertain Significance.

Literature cited by the submitters: PubMed 31440721 (cited by Ambry Genetics); PubMed 16713920 (cited by Labcorp Genetics (formerly Invitae), Labcorp); PubMed 17347258 (cited by Labcorp Genetics (formerly Invitae), Labcorp); PubMed 18930999 (cited by Labcorp Genetics (formerly Invitae), Labcorp); PubMed 18804930 (cited by Labcorp Genetics (formerly Invitae), Labcorp); PubMed 22581653 (cited by Labcorp Genetics (formerly Invitae), Labcorp).

NM_001165963.4(SCN1A):c.3712G>C (p.Glu1238Gln)

Genes: SCN1A (sodium voltage-gated channel alpha subunit 1; minus strand), LOC102724058 (uncharacterized LOC102724058; plus strand). Cytogenetic location: 2q24.3.
Variant type: single nucleotide variant.
Coding change: c.3712G>C on transcript NM_001165963.4 (MANE Select); coding-DNA position 3712, G replaced by C.
Protein change: p.Glu1238Gln; replaces glutamic acid 1238 with glutamine.
Molecular consequence: missense variant. On other transcripts: non-coding transcript variant (1).
Genome position (GRCh38, 1-based): chr2:166,012,276, C>G on the plus strand (G>C on the coding strand, the complement: SCN1A is on the minus strand). VCF-style: chr2-166012276-C-G. GRCh37 (hg19) VCF-style: chr2-166868786-C-G.
Other names: c.3628G>C, p.Glu1210Gln (NM_001165964.3, NM_001353957.2, NM_001353958.2); c.3712G>C, p.Glu1238Gln (NM_001202435.3, NM_001353948.2); c.3679G>C, p.Glu1227Gln (NM_001353949.2, NM_001353950.2, NM_001353951.2 and 2 more transcripts); c.3676G>C, p.Glu1226Gln (NM_001353954.2, NM_001353955.2); c.3625G>C, p.Glu1209Gln (NM_001353960.2); c.1270G>C, p.Glu424Gln (NM_001353961.2); short protein forms E1227Q, E1238Q, E1209Q, E1210Q, E1226Q, E424Q.
Identifiers: ClinVar variation 238602 (VCV000238602.10), dbSNP rs750364705, ClinGen allele CA1942895.
Genomic context (GRCh38, chr2:166,012,276, plus strand): 5'-CCTTGTCAGCATATTCCAACATCGTCTTAATCGTCTTTCGCTGATCAATATATATATCTT[C>G]AAATGCCTATAAAGAAAATGTTACACATTATTAGCTTTCAAAAATAATTATACTCCATAA-3'
Protein context (NP_001159435.1, residues 1228-1248): ILLSSGALAF[Glu1238Gln]DIYIDQRKTI